The following is an entry in ClinVar:

NM_000548.5(TSC2):c.2838-282A>C

Gene: TSC2 (TSC complex subunit 2; plus strand). Cytogenetic location: 16p13.3.
Variant type: single nucleotide variant.
Coding change: c.2838-282A>C on transcript NM_000548.5 (MANE Select); 282 bases into the intron before coding-DNA position 2838, A replaced by C.
Molecular consequence: intron variant.
Genome position (GRCh38, 1-based): chr16:2,077,316, A>C. VCF-style: chr16-2077316-A-C. GRCh37 (hg19) VCF-style: chr16-2127317-A-C.
Other names: c.2838-282A>C (NM_001114382.3); c.2837+731A>C (NM_021055.3, NM_001370405.1, NM_001363528.2 and 2 more transcripts); c.2726+731A>C (NM_001318827.2); c.2237+731A>C (NM_001318831.2); c.2690+731A>C (NM_001318829.2); c.2870+731A>C (NM_001318832.2).
Identifiers: ClinVar variation 680986 (VCV000680986.2), dbSNP rs13339195, ClinGen allele CA14206861.

ClinVar aggregate classification (germline): Benign. Review status: criteria provided, multiple submitters, no conflicts (2 of 4 stars). 2 submissions from 2 submitters: Benign (2). Last evaluated 2018-06-14.

Allele frequency attached by ClinVar (database versions not stated): gnomAD 0.10522 and 0.11172; 1000 Genomes Project 0.10683; 1000 Genomes Project 30x 0.11243; TOPMed 0.11782.

Submissions (2):

GeneDx
Classification: Benign. Last evaluated: 2018-06-14. Review status: criteria provided, single submitter. Criteria: GeneDx Variant Classification (06012015). Collection method: clinical testing. Allele origin: germline. Affected: yes.
Comment: This variant is considered likely benign or benign based on one or more of the following criteria: it is a conservative change, it occurs at a poorly conserved position in the protein, it is predicted to be benign by multiple in silico algorithms, and/or has population frequency not consistent with disease.

Breakthrough Genomics
Classification: Benign. Review status: criteria provided, single submitter. Criteria: ACMG Guidelines, 2015. Collection method: not provided. Allele origin: germline. Inheritance: Autosomal dominant inheritance. Affected: yes.